The following is an entry in ClinVar:

NM_005633.4(SOS1):c.1670C>T (p.Thr557Ile)

Gene: SOS1 (SOS Ras/Rac guanine nucleotide exchange factor 1; minus strand). Cytogenetic location: 2p22.1.
Variant type: single nucleotide variant.
Coding change: c.1670C>T on transcript NM_005633.4 (MANE Select); coding-DNA position 1670, C replaced by T.
Protein change: p.Thr557Ile; replaces threonine 557 with isoleucine.
Molecular consequence: missense variant.
Genome position (GRCh38, 1-based): chr2:39,022,758, G>A on the plus strand (C>T on the coding strand, the complement: SOS1 is on the minus strand). VCF-style: chr2-39022758-G-A. GRCh37 (hg19) VCF-style: chr2-39249899-G-A.
Other names: c.1649C>T, p.Thr550Ile (NM_001382394.1); c.1670C>T, p.Thr557Ile (NM_001382395.1); short protein forms T550I, T557I.
Identifiers: ClinVar variation 1025961 (VCV001025961.9), dbSNP rs1245953394, ClinGen allele CA346365651.

ClinVar aggregate classification (germline): Uncertain significance. Review status: criteria provided, multiple submitters, no conflicts (2 of 4 stars). 2 submissions from 2 submitters: Uncertain significance (2). Last evaluated 2025-08-30.

Conditions:
RASopathy. Also called: Noonan spectrum disorder; rasopathies. Identifiers: Orphanet 536391, MedGen C5555857, MONDO:0021060.
Fibromatosis, gingival, 1 (GINGF1). Identifiers: Orphanet 2024, MedGen C4551558, MONDO:0007609, OMIM 135300.
Noonan syndrome 4 (NS4). Also called: SOS1-Related Noonan Syndrome; NOONAN SYNDROME WITH PIGMENTED VILLONODULAR SYNOVITIS. Identifiers: Orphanet 648, MedGen C1853120, MONDO:0012547, OMIM 610733.

gnomAD v4.1: 2 of 1,613,586 alleles (0.00012%); highest among the groups gnomAD compares: East Asian, 0.0022%; no homozygotes.

Submissions (2):

Labcorp Genetics (formerly Invitae), Labcorp
Classification: Uncertain significance for RASopathy. Last evaluated: 2025-08-30. Review status: criteria provided, single submitter. Criteria: Invitae Variant Classification Sherloc (09022015). Collection method: clinical testing. Allele origin: germline.
Comment: This sequence change replaces threonine, which is neutral and polar, with isoleucine, which is neutral and non-polar, at codon 557 of the SOS1 protein (p.Thr557Ile). This variant is not present in population databases (gnomAD no frequency). This variant has not been reported in the literature in individuals affected with SOS1-related conditions. ClinVar contains an entry for this variant (Variation ID: 1025961). Invitae Evidence Modeling of protein sequence and biophysical properties (such as structural, functional, and spatial information, amino acid conservation, physicochemical variation, residue mobility, and thermodynamic stability) indicates that this missense variant is not expected to disrupt SOS1 protein function with a negative predictive value of 95%. In summary, the available evidence is currently insufficient to determine the role of this variant in disease. Therefore, it has been classified as a Variant of Uncertain Significance.

Fulgent Genetics
Classification: Uncertain significance for Fibromatosis, gingival, 1; Noonan syndrome 4. Last evaluated: 2021-09-10. Review status: criteria provided, single submitter. Criteria: ACMG Guidelines, 2015. Collection method: clinical testing. Allele origin: unknown.